The following is an entry in ClinVar:

ClinVar aggregate classification (germline): Pathogenic. Review status: criteria provided, multiple submitters, no conflicts (2 of 4 stars). 7 submissions from 6 submitters: Pathogenic (6). 1 of the submissions does not count toward it. Last evaluated 2025-06-13.

Conditions:
ARID1B-related BAFopathy.
Coffin-Siris syndrome 1 (CSS1). Also called: ARID1B-Related Coffin-Siris Syndrome; Mental retardation, autosomal dominant 12. Identifiers: Orphanet 1465, MedGen C3281201, MONDO:0007617, OMIM 135900. Disease mechanism: gain of function.
Autism spectrum disorder. Also called: Autism spectrum disorders. Identifiers: MedGen C1510586, MeSH D000067877, MONDO:0005258.

Submissions (7):

GeneDx
Classification: Pathogenic. Last evaluated: 2025-06-13. Review status: criteria provided, single submitter. Criteria: GeneDx Variant Classification Process June 2021. Collection method: clinical testing. Allele origin: germline. Affected: yes.
Comment: Nonsense variant predicted to result in protein truncation or nonsense mediated decay in a gene for which loss of function is a known mechanism of disease; Not observed at significant frequency in large population cohorts (gnomAD); This variant is associated with the following publications: (PMID: 34906496, 33057194, 35904121, 35982159, 23906836, 24901346, 28120103, 28991257, 28191890, 30349098, 32368696, 34706719, 30504930, 33084842, 32901917, 33726816)

3billion
Classification: Pathogenic for Coffin-Siris syndrome 1. Last evaluated: 2024-06-18. Review status: criteria provided, single submitter. Criteria: ACMG Guidelines, 2015. Collection method: clinical testing. Allele origin: germline. Affected: yes.
Comment: The variant is not observed in the gnomAD v4.0.0 dataset. Predicted Consequence/Location: Stop-gained (nonsense): predicted to result in a loss or disruption of normal protein function through nonsense-mediated decay (NMD) or protein truncation. Multiple pathogenic variants are reported downstream of the variant. The variant has been reported at least twice as pathogenic with clinical assertions and evidence for the classification (ClinVar ID: VCV000199160 /PMID: 23906836 /3billion dataset). Therefore, this variant is classified as Pathogenic according to the recommendation of ACMG/AMP guideline.

Genome-Nilou Lab
Classification: Pathogenic for Coffin-Siris syndrome 1. Last evaluated: 2021-07-15. Review status: criteria provided, single submitter. Criteria: ACMG Guidelines, 2015. Collection method: clinical testing. Allele origin: germline. Affected: no.

Baylor Genetics
Classification: Pathogenic for ARID1B-related BAFopathy. Last evaluated: 2021-06-10. Review status: criteria provided, single submitter. Criteria: ACMG Guidelines, 2015. Collection method: clinical testing. Allele origin: unknown, de novo. Affected: yes.

Baylor Genetics
Classification: Pathogenic for Coffin-Siris syndrome 1. Last evaluated: 2019-06-13. Review status: criteria provided, single submitter. Criteria: ACMG Guidelines, 2015. Collection method: clinical testing. Allele origin: unknown. Affected: yes.
Comment: This variant was determined to be pathogenic according to ACMG Guidelines, 2015 [PMID:25741868].

Eurofins Ntd Llc (ga)
Classification: Pathogenic. Last evaluated: 2014-12-15. Review status: criteria provided, single submitter. Criteria: EGL Classification Definitions 2015. Collection method: clinical testing. Allele origin: germline. Observed: 1 variant allele, 1 heterozygote.

University of Washington Center for Mendelian Genomics, University of Washington
Classification: Likely pathogenic for Autism spectrum disorder. Review status: no assertion criteria provided. Collection method: research. Allele origin: de novo. Affected: yes. Not counted in ClinVar's aggregate classification.

Literature cited by the submitters: PubMed 23906836 (cited by 3billion); PubMed 30504930 (cited by University of Washington Center for Mendelian Genomics, University of Washington).

NM_001374828.1(ARID1B):c.2902C>T (p.Arg968Ter)

Gene: ARID1B (AT-rich interaction domain 1B; plus strand). Cytogenetic location: 6q25.3.
Variant type: single nucleotide variant.
Coding change: c.2902C>T on transcript NM_001374828.1 (MANE Select); coding-DNA position 2902, C replaced by T.
Protein change: p.Arg968Ter; replaces arginine 968 with a stop codon.
Molecular consequence: nonsense.
Genome position (GRCh38, 1-based): chr6:157,148,764, C>T. VCF-style: chr6-157148764-C-T. GRCh37 (hg19) VCF-style: chr6-157469898-C-T.
Other names: c.2692C>T, p.Arg898Ter (NM_020732.3); c.403C>T, p.Arg135Ter (NM_001363725.2); c.2941C>T, p.Arg981Ter (NM_001371656.1, NM_001374820.1); c.2902C>T, p.Arg968Ter (NM_017519.3); c.2653C>T (NM_001346813.1); short protein forms R898*, R885*, R135*, R968*, R981*.
Identifiers: ClinVar variation 199160 (VCV000199160.15), dbSNP rs794727977, ClinGen allele CA203785.